The following is an entry in ClinVar:

NM_000051.4(ATM):c.6460G>T (p.Glu2154Ter)

Genes: C11orf65 (chromosome 11 open reading frame 65; minus strand), ATM (ATM serine/threonine kinase; plus strand). Cytogenetic location: 11q22.3.
Variant type: single nucleotide variant.
Coding change: c.6460G>T on transcript NM_000051.4 (MANE Select); coding-DNA position 6460, G replaced by T.
Protein change: p.Glu2154Ter; replaces glutamic acid 2154 with a stop codon.
Molecular consequence: nonsense. On other transcripts: intron variant (2).
Genome position (GRCh38, 1-based): chr11:108,321,308, G>T. VCF-style: chr11-108321308-G-T. GRCh37 (hg19) VCF-style: chr11-108192035-G-T.
Other names: c.6460G>T, p.Glu2154Ter (NM_001351834.2); c.641-12237C>A (NM_001330368.2); c.*39-12237C>A (NM_001351110.2); short protein forms E2154*.
Identifiers: ClinVar variation 1753659 (VCV001753659.2), dbSNP rs2136238537, ClinGen allele CA382553844.

ClinVar aggregate classification (germline): Pathogenic (1 of 4 stars; one submission).

Conditions:
Hereditary cancer-predisposing syndrome. Also called: Hereditary neoplastic syndrome; Neoplastic Syndromes, Hereditary; Tumor predisposition; Hereditary Cancer Syndrome. Identifiers: Orphanet 140162, MedGen C0027672, MeSH D009386, MONDO:0015356.

Submission:

Ambry Genetics
Classification: Pathogenic for Hereditary cancer-predisposing syndrome. Last evaluated: 2022-02-14. Review status: criteria provided, single submitter. Criteria: Ambry Variant Classification Scheme 2023. Collection method: clinical testing. Allele origin: germline.
Comment: The p.E2154* pathogenic mutation (also known as c.6460G>T), located in coding exon 44 of the ATM gene, results from a G to T substitution at nucleotide position 6460. This changes the amino acid from a glutamic acid to a stop codon within coding exon 44. This variant is considered to be rare based on population cohorts in the Genome Aggregation Database (gnomAD). This alteration is expected to result in loss of function by premature protein truncation or nonsense-mediated mRNA decay. As such, this alteration is interpreted as a disease-causing mutation.